The following is an entry in ClinVar:

NM_003200.5(TCF3):c.1308C>T (p.Gly436=)

Gene: TCF3 (transcription factor 3; minus strand). Cytogenetic location: 19p13.3.
Variant type: single nucleotide variant.
Coding change: c.1308C>T on transcript NM_003200.5 (MANE Select); coding-DNA position 1308, C replaced by T.
Protein change: p.Gly436=; no amino-acid change (glycine 436 retained).
Molecular consequence: synonymous variant.
Genome position (GRCh38, 1-based): chr19:1,619,334, G>A on the plus strand (C>T on the coding strand, the complement: TCF3 is on the minus strand). VCF-style: chr19-1619334-G-A. GRCh37 (hg19) VCF-style: chr19-1619333-G-A.
Other names: p.Gly436=; c.1308C>T, p.Gly436= (NM_001136139.4, NM_001351779.2); c.1305C>T, p.Gly435= (NM_001351778.2).
Identifiers: ClinVar variation 1169440 (VCV001169440.17), dbSNP rs1140828, ClinGen allele CA9049943.

ClinVar aggregate classification (germline): Benign. Review status: criteria provided, multiple submitters, no conflicts (2 of 4 stars). 6 submissions from 6 submitters: Benign (6). Last evaluated 2026-02-04.

Allele frequency attached by ClinVar (database versions not stated): gnomAD 0.28034 and 0.28239; ExAC 0.30777; gnomAD exomes 0.32029 and 0.27550; 1000 Genomes Project 0.23542; 1000 Genomes Project 30x 0.23782; TOPMed 0.26731; ESP Exome Variant Server 0.26764.
gnomAD v4.1: 497,652 of 1,576,022 alleles (32%); highest among the groups gnomAD compares: Non-Finnish European, 34%; 81,408 homozygotes.

Submissions (30):

Labcorp Genetics (formerly Invitae), Labcorp
Classification: Benign. Last evaluated: 2026-02-04. Review status: criteria provided, single submitter. Criteria: Invitae Variant Classification Sherloc (09022015). Collection method: clinical testing. Allele origin: germline.

Women's Health and Genetics/Laboratory Corporation of America, LabCorp
Classification: Benign. Last evaluated: 2026-01-21. Review status: criteria provided, single submitter. Criteria: LabCorp Variant Classification Summary - May 2015. Collection method: clinical testing. Allele origin: germline.

Unidad de Genómica Garrahan, Hospital de Pediatría Garrahan
Classification: Benign. Last evaluated: 2024-01-24. Review status: criteria provided, single submitter. Criteria: ACMG Guidelines, 2015. Collection method: clinical testing. Allele origin: germline. Affected: no. Observed: 42 variant alleles.
Comment: This variant is classified as Benign based on local population frequency. This variant was detected in 44% of patients studied by a panel of primary immunodeficiencies. Number of patients: 42. Only high quality variants are reported.

GeneDx
Classification: Benign. Last evaluated: 2020-04-01. Review status: criteria provided, single submitter. Criteria: GeneDx Variant Classification Process June 2021. Collection method: clinical testing. Allele origin: germline. Affected: yes.

Mayo Clinic Laboratories, Mayo Clinic
Classification: Benign. Last evaluated: 2016-10-17. Review status: criteria provided, single submitter. Criteria: ACMG Guidelines, 2015. Collection method: clinical testing. Allele origin: germline. Observed: 72 variant alleles.

Breakthrough Genomics
Classification: Benign. Review status: criteria provided, single submitter. Criteria: ACMG Guidelines, 2015. Collection method: not provided. Allele origin: germline. Inheritance: Autosomal recessive inheritance. Affected: yes.

Dr. Peter K. Rogan Lab, Western University
No classification provided (evidence only). Condition: Colon adenocarcinoma. Review status: no classification provided. Collection method: in vitro. Allele origin: not applicable. Functional consequence: retained intron. Not counted in ClinVar's aggregate classification.

Dr. Peter K. Rogan Lab, Western University
No classification provided (evidence only). Condition: Colon adenocarcinoma. Review status: no classification provided. Collection method: in vitro. Allele origin: not applicable. Functional consequence: skipped exon. Not counted in ClinVar's aggregate classification.

Dr. Peter K. Rogan Lab, Western University
No classification provided (evidence only). Condition: Colon adenocarcinoma. Review status: no classification provided. Collection method: in vitro. Allele origin: not applicable. Functional consequence: retained intron. Not counted in ClinVar's aggregate classification.

Dr. Peter K. Rogan Lab, Western University
No classification provided (evidence only). Condition: Colorectal cancer. Review status: no classification provided. Collection method: in vitro. Allele origin: not applicable. Functional consequence: skipped exon. Not counted in ClinVar's aggregate classification.

Dr. Peter K. Rogan Lab, Western University
No classification provided (evidence only). Condition: Malignant lymphoma, large B-cell, diffuse. Review status: no classification provided. Collection method: in vitro. Allele origin: not applicable. Functional consequence: retained intron. Not counted in ClinVar's aggregate classification.

Dr. Peter K. Rogan Lab, Western University
No classification provided (evidence only). Condition: Malignant lymphoma, large B-cell, diffuse. Review status: no classification provided. Collection method: in vitro. Allele origin: not applicable. Functional consequence: skipped exon, retained intron. Not counted in ClinVar's aggregate classification.

Dr. Peter K. Rogan Lab, Western University
No classification provided (evidence only). Condition: Malignant lymphoma, large B-cell, diffuse. Review status: no classification provided. Collection method: in vitro. Allele origin: not applicable. Functional consequence: retained intron. Not counted in ClinVar's aggregate classification.

Dr. Peter K. Rogan Lab, Western University
No classification provided (evidence only). Condition: Malignant lymphoma, large B-cell, diffuse. Review status: no classification provided. Collection method: in vitro. Allele origin: not applicable. Functional consequence: skipped exon, retained intron. Not counted in ClinVar's aggregate classification.

Dr. Peter K. Rogan Lab, Western University
No classification provided (evidence only). Condition: Malignant lymphoma, large B-cell, diffuse. Review status: no classification provided. Collection method: in vitro. Allele origin: not applicable. Functional consequence: skipped exon. Not counted in ClinVar's aggregate classification.

Dr. Peter K. Rogan Lab, Western University
No classification provided (evidence only). Condition: Adrenocortical carcinoma, hereditary. Review status: no classification provided. Collection method: in vitro. Allele origin: not applicable. Functional consequence: retained intron. Not counted in ClinVar's aggregate classification.

Dr. Peter K. Rogan Lab, Western University
No classification provided (evidence only). Condition: Uterine carcinosarcoma. Review status: no classification provided. Collection method: in vitro. Allele origin: not applicable. Functional consequence: skipped exon. Not counted in ClinVar's aggregate classification.

Dr. Peter K. Rogan Lab, Western University
No classification provided (evidence only). Condition: Uterine carcinosarcoma. Review status: no classification provided. Collection method: in vitro. Allele origin: not applicable. Functional consequence: retained intron. Not counted in ClinVar's aggregate classification.

Dr. Peter K. Rogan Lab, Western University
No classification provided (evidence only). Condition: Uterine carcinosarcoma. Review status: no classification provided. Collection method: in vitro. Allele origin: not applicable. Functional consequence: retained intron. Not counted in ClinVar's aggregate classification.

Dr. Peter K. Rogan Lab, Western University
No classification provided (evidence only). Condition: Uterine carcinosarcoma. Review status: no classification provided. Collection method: in vitro. Allele origin: not applicable. Functional consequence: retained intron. Not counted in ClinVar's aggregate classification.

Dr. Peter K. Rogan Lab, Western University
No classification provided (evidence only). Condition: Uterine carcinosarcoma. Review status: no classification provided. Collection method: in vitro. Allele origin: not applicable. Functional consequence: skipped exon, retained intron. Not counted in ClinVar's aggregate classification.

Dr. Peter K. Rogan Lab, Western University
No classification provided (evidence only). Condition: Uterine carcinosarcoma. Review status: no classification provided. Collection method: in vitro. Allele origin: not applicable. Functional consequence: skipped exon. Not counted in ClinVar's aggregate classification.

Dr. Peter K. Rogan Lab, Western University
No classification provided (evidence only). Condition: Uterine carcinosarcoma. Review status: no classification provided. Collection method: in vitro. Allele origin: not applicable. Functional consequence: retained intron. Not counted in ClinVar's aggregate classification.

Dr. Peter K. Rogan Lab, Western University
No classification provided (evidence only). Condition: Uterine carcinosarcoma. Review status: no classification provided. Collection method: in vitro. Allele origin: not applicable. Functional consequence: skipped exon. Not counted in ClinVar's aggregate classification.

Dr. Peter K. Rogan Lab, Western University
No classification provided (evidence only). Condition: Uterine carcinosarcoma. Review status: no classification provided. Collection method: in vitro. Allele origin: not applicable. Functional consequence: retained intron. Not counted in ClinVar's aggregate classification.

Dr. Peter K. Rogan Lab, Western University
No classification provided (evidence only). Condition: Uterine carcinosarcoma. Review status: no classification provided. Collection method: in vitro. Allele origin: not applicable. Functional consequence: skipped exon, retained intron. Not counted in ClinVar's aggregate classification.

Dr. Peter K. Rogan Lab, Western University
No classification provided (evidence only). Condition: Uterine carcinosarcoma. Review status: no classification provided. Collection method: in vitro. Allele origin: not applicable. Functional consequence: skipped exon, retained intron. Not counted in ClinVar's aggregate classification.

Dr. Peter K. Rogan Lab, Western University
No classification provided (evidence only). Condition: Uterine carcinosarcoma. Review status: no classification provided. Collection method: in vitro. Allele origin: not applicable. Functional consequence: skipped exon, retained intron. Not counted in ClinVar's aggregate classification.

Dr. Peter K. Rogan Lab, Western University
No classification provided (evidence only). Condition: Uveal melanoma. Review status: no classification provided. Collection method: in vitro. Allele origin: not applicable. Functional consequence: skipped exon. Not counted in ClinVar's aggregate classification.

Dr. Peter K. Rogan Lab, Western University
No classification provided (evidence only). Condition: Uveal melanoma. Review status: no classification provided. Collection method: in vitro. Allele origin: not applicable. Functional consequence: retained intron. Not counted in ClinVar's aggregate classification.